The following is an entry in ClinVar:

NM_001040716.2(PC):c.3289-10G>C

Gene: PC (pyruvate carboxylase; minus strand). Cytogenetic location: 11q13.2.
Variant type: single nucleotide variant.
Coding change: c.3289-10G>C on transcript NM_001040716.2 (MANE Select); 10 bases into the intron before coding-DNA position 3289, G replaced by C.
Molecular consequence: intron variant.
Genome position (GRCh38, 1-based): chr11:66,849,157, C>G on the plus strand (G>C on the coding strand, the complement: PC is on the minus strand). VCF-style: chr11-66849157-C-G. GRCh37 (hg19) VCF-style: chr11-66616628-C-G.
Other names: c.3289-10G>C (NM_000920.4, NM_022172.3).
Identifiers: ClinVar variation 513091 (VCV000513091.9), dbSNP rs529411023, ClinGen allele CA658797689.
Genomic context (GRCh38, chr11:66,849,157, plus strand): 5'-CCCGATCTGGCCCTTCACGTCCTTTAGGGCCTTGGGGTGGAAGTGCATCTCCTGAAGACA[C>G]AGGGCAGAGGGGACATGACATCCTGGGCCCAGCCAAGCCCCACCGCCTGGCTGGCCCTGG-3'

ClinVar aggregate classification (germline): Likely benign. Review status: criteria provided, multiple submitters, no conflicts (2 of 4 stars). 2 submissions from 2 submitters: Likely benign (2). Last evaluated 2023-10-23.

Conditions:
Pyruvate carboxylase deficiency. Also called: ATAXIA WITH LACTIC ACIDOSIS II; LEIGH NECROTIZING ENCEPHALOPATHY DUE TO PYRUVATE CARBOXYLASE DEFICIENCY; LEIGH SYNDROME DUE TO PYRUVATE CARBOXYLASE DEFICIENCY; PC DEFICIENCY; Pyruvate Carboxylase Deficiency Disease. Identifiers: Orphanet 3008, MedGen C0034341, MONDO:0009949, OMIM 266150.

Allele frequency attached by ClinVar (database versions not stated): TOPMed 0.00001.

Submissions (2):

Labcorp Genetics (formerly Invitae), Labcorp
Classification: Likely benign for Pyruvate carboxylase deficiency. Last evaluated: 2023-10-23. Review status: criteria provided, single submitter. Criteria: Invitae Variant Classification Sherloc (09022015). Collection method: clinical testing. Allele origin: germline.

GeneDx
Classification: Likely benign. Last evaluated: 2017-11-10. Review status: criteria provided, single submitter. Criteria: GeneDx Variant Classification (06012015). Collection method: clinical testing. Allele origin: germline. Affected: yes.
Comment: This variant is considered likely benign or benign based on one or more of the following criteria: it is a conservative change, it occurs at a poorly conserved position in the protein, it is predicted to be benign by multiple in silico algorithms, and/or has population frequency not consistent with disease.